The following is an entry in ClinVar:

NM_000218.3(KCNQ1):c.1686-4C>T

Gene: KCNQ1 (potassium voltage-gated channel subfamily Q member 1; plus strand). Cytogenetic location: 11p15.5.
Variant type: single nucleotide variant.
Coding change: c.1686-4C>T on transcript NM_000218.3 (MANE Select); 4 bases into the intron before coding-DNA position 1686, C replaced by T.
Molecular consequence: intron variant.
Genome position (GRCh38, 1-based): chr11:2,776,982, C>T. VCF-style: chr11-2776982-C-T. GRCh37 (hg19) VCF-style: chr11-2798212-C-T.
Other names: c.1416-4C>T (NM_001406837.1); c.1590-4C>T (NM_001406836.1); c.1146-4C>T (NM_001406838.1); c.1305-4C>T (NM_181798.2).
Identifiers: ClinVar variation 919426 (VCV000919426.18), dbSNP rs548313980, ClinGen allele CA032097.

ClinVar aggregate classification (germline): Likely benign. Review status: criteria provided, multiple submitters, no conflicts (2 of 4 stars). 5 submissions from 5 submitters: Likely benign (5). Last evaluated 2025-10-13.

Conditions:
Long QT syndrome (LQTS). Identifiers: MedGen C0023976, MeSH D008133, MONDO:0002442. Disease mechanism: loss of function. Inheritance: Various modes of inheritance.
Cardiovascular phenotype. Identifiers: MedGen CN230736.
Cardiac arrhythmia. Also called: Arrhythmia; Cardiac rhythm disease. Identifiers: MedGen C0003811, MONDO:0007263, HP:0011675.
KCNQ1-related disorder. Also called: KCNQ1-related condition; KCNQ1-related disorders. Identifiers: MedGen CN239322.

Allele frequency attached by ClinVar (database versions not stated): gnomAD exomes below 0.00001 and 0.00001; ExAC 0.00001; TOPMed 0.00004; gnomAD 0.00005 and 0.00007.
gnomAD v4.1: 16 of 1,614,100 alleles (0.00099%); highest among the groups gnomAD compares: African/African-American, 0.021%; no homozygotes.

Submissions (5):

Labcorp Genetics (formerly Invitae), Labcorp
Classification: Likely benign for Long QT syndrome. Last evaluated: 2025-10-13. Review status: criteria provided, single submitter. Criteria: Invitae Variant Classification Sherloc (09022015). Collection method: clinical testing. Allele origin: germline.

PreventionGenetics, part of Exact Sciences
Classification: Likely benign for KCNQ1-related condition. Last evaluated: 2025-02-10. Review status: criteria provided, single submitter. Criteria: ACMG Guidelines, 2015. Collection method: clinical testing. Allele origin: germline.
Comment: This variant is classified as likely benign based on ACMG/AMP sequence variant interpretation guidelines (Richards et al. 2015 PMID: 25741868, with internal and published modifications).

All of Us Research Program, National Institutes of Health
Classification: Likely benign for Long QT syndrome. Last evaluated: 2024-05-30. Review status: criteria provided, single submitter. Criteria: ACMG Guidelines, 2015. Collection method: clinical testing. Allele origin: germline. Inheritance: Autosomal dominant inheritance. Observed: 3 variant alleles, 3 heterozygotes.
Comment: This study involves interpretation of variants in research participants for the purpose of population health screening. Participant phenotype was not available at the time of variant classification. Additional details can be found in publication PMID: 35346344, PMCID: PMC8962531

Ambry Genetics
Classification: Likely benign for Cardiovascular phenotype. Last evaluated: 2022-10-14. Review status: criteria provided, single submitter. Criteria: Ambry Variant Classification Scheme 2023. Collection method: clinical testing. Allele origin: germline.

Color Diagnostics, LLC DBA Color Health
Classification: Likely benign for Arrhythmia. Last evaluated: 2019-10-29. Review status: criteria provided, single submitter. Criteria: ACMG Guidelines, 2015. Collection method: clinical testing. Allele origin: germline.